The following is an entry in ClinVar:

ClinVar aggregate classification (germline): Uncertain significance (1 of 4 stars; one submission).

Submission:

GeneDx
Classification: Uncertain significance. Last evaluated: 2023-07-03. Review status: criteria provided, single submitter. Criteria: GeneDx Variant Classification Process June 2021. Collection method: clinical testing. Allele origin: germline. Affected: yes.
Comment: Not observed at significant frequency in large population cohorts (gnomAD); In silico analysis supports that this missense variant has a deleterious effect on protein structure/function; Has not been previously published as pathogenic or benign to our knowledge

NM_003542.4(H4C3):c.230C>G (p.Ala77Gly)

Gene: H4C3 (H4 clustered histone 3; plus strand). Cytogenetic location: 6p22.2.
Variant type: single nucleotide variant.
Coding change: c.230C>G on transcript NM_003542.4 (MANE Select); coding-DNA position 230, C replaced by G.
Protein change: p.Ala77Gly; replaces alanine 77 with glycine.
Molecular consequence: missense variant.
Genome position (GRCh38, 1-based): chr6:26,104,177, C>G. VCF-style: chr6-26104177-C-G. GRCh37 (hg19) VCF-style: chr6-26104405-C-G.
Other names: short protein forms A77G.
Identifiers: ClinVar variation 3360390 (VCV003360390.1).